The following is an entry in ClinVar:

NM_000257.4(MYH7):c.1498G>A (p.Glu500Lys)

Gene: MYH7 (myosin heavy chain 7; minus strand). Cytogenetic location: 14q11.2.
Variant type: single nucleotide variant.
Coding change: c.1498G>A on transcript NM_000257.4 (MANE Select); coding-DNA position 1498, G replaced by A.
Protein change: p.Glu500Lys; replaces glutamic acid 500 with lysine.
Molecular consequence: missense variant.
Genome position (GRCh38, 1-based): chr14:23,428,580, C>T on the plus strand (G>A on the coding strand, the complement: MYH7 is on the minus strand). VCF-style: chr14-23428580-C-T. GRCh37 (hg19) VCF-style: chr14-23897789-C-T.
Other names: short protein forms E500K.
Identifiers: ClinVar variation 454343 (VCV000454343.6), dbSNP rs1555338255, ClinGen allele CA389050464.

ClinVar aggregate classification (germline): Uncertain significance (1 of 4 stars; one submission).

Conditions:
Hypertrophic cardiomyopathy. Also called: HYPERTROPHIC MYOCARDIOPATHY. Identifiers: Orphanet 217569, MedGen C0007194, MeSH D002312, MONDO:0005045, HP:0001639.

Submission:

Labcorp Genetics (formerly Invitae), Labcorp
Classification: Uncertain significance for Hypertrophic cardiomyopathy. Last evaluated: 2024-08-21. Review status: criteria provided, single submitter. Criteria: Invitae Variant Classification Sherloc (09022015). Collection method: clinical testing. Allele origin: germline.
Comment: This sequence change replaces glutamic acid, which is acidic and polar, with lysine, which is basic and polar, at codon 500 of the MYH7 protein (p.Glu500Lys). This variant is not present in population databases (gnomAD no frequency). This variant has not been reported in the literature in individuals affected with MYH7-related conditions. ClinVar contains an entry for this variant (Variation ID: 454343). Invitae Evidence Modeling of protein sequence and biophysical properties (such as structural, functional, and spatial information, amino acid conservation, physicochemical variation, residue mobility, and thermodynamic stability) indicates that this missense variant is expected to disrupt MYH7 protein function with a positive predictive value of 95%. This variant disrupts the p.Glu500 amino acid residue in MYH7. Other variant(s) that disrupt this residue have been determined to be pathogenic (PMID: 12820698, 27532257). This suggests that this residue is clinically significant, and that variants that disrupt this residue are likely to be disease-causing. In summary, the available evidence is currently insufficient to determine the role of this variant in disease. Therefore, it has been classified as a Variant of Uncertain Significance.

Literature cited by the submitters: PubMed 12820698; PubMed 27532257.